The following is an entry in ClinVar:

ClinVar aggregate classification (germline): Uncertain significance. Review status: criteria provided, multiple submitters, no conflicts (2 of 4 stars). 2 submissions from 2 submitters: Uncertain significance (2). Last evaluated 2023-01-24.

Conditions:
Niemann-Pick disease, type C1. Also called: NIEMANN-PICK DISEASE, VARIANT TYPE C1; NEUROVISCERAL STORAGE DISEASE WITH VERTICAL SUPRANUCLEAR OPHTHALMOPLEGIA; NIEMANN-PICK DISEASE WITH CHOLESTEROL ESTERIFICATION BLOCK; NIEMANN-PICK DISEASE WITHOUT SPHINGOMYELINASE DEFICIENCY; NIEMANN-PICK DISEASE, CHRONIC NEURONOPATHIC FORM. Identifiers: Orphanet 646, MedGen C3179455, MONDO:0009757, OMIM 257220.
Inborn genetic diseases. Identifiers: MedGen C0950123, MeSH D030342.

Allele frequency attached by ClinVar (database versions not stated): gnomAD 0.00001; gnomAD exomes 0.00001; TOPMed 0.00001.
gnomAD v4.1: 14 of 1,614,074 alleles (0.00087%); highest among the groups gnomAD compares: Non-Finnish European, 0.0012%; no homozygotes.

Submissions (2):

Ambry Genetics
Classification: Uncertain significance for Inborn genetic diseases. Last evaluated: 2023-01-24. Review status: criteria provided, single submitter. Criteria: Ambry Variant Classification Scheme 2023. Collection method: clinical testing. Allele origin: germline.

Labcorp Genetics (formerly Invitae), Labcorp
Classification: Uncertain significance for Niemann-Pick disease, type C1. Last evaluated: 2022-03-19. Review status: criteria provided, single submitter. Criteria: Invitae Variant Classification Sherloc (09022015). Collection method: clinical testing. Allele origin: germline.
Comment: This sequence change replaces leucine, which is neutral and non-polar, with phenylalanine, which is neutral and non-polar, at codon 1060 of the NPC1 protein (p.Leu1060Phe). This variant is not present in population databases (gnomAD no frequency). This variant has not been reported in the literature in individuals affected with NPC1-related conditions. Advanced modeling of protein sequence and biophysical properties (such as structural, functional, and spatial information, amino acid conservation, physicochemical variation, residue mobility, and thermodynamic stability) performed at Invitae indicates that this missense variant is not expected to disrupt NPC1 protein function. In summary, the available evidence is currently insufficient to determine the role of this variant in disease. Therefore, it has been classified as a Variant of Uncertain Significance.

NM_000271.5(NPC1):c.3178C>T (p.Leu1060Phe)

Gene: NPC1 (NPC intracellular cholesterol transporter 1; minus strand). Cytogenetic location: 18q11.2.
Variant type: single nucleotide variant.
Coding change: c.3178C>T on transcript NM_000271.5 (MANE Select); coding-DNA position 3178, C replaced by T.
Protein change: p.Leu1060Phe; replaces leucine 1060 with phenylalanine.
Molecular consequence: missense variant.
Genome position (GRCh38, 1-based): chr18:23,536,740, G>A on the plus strand (C>T on the coding strand, the complement: NPC1 is on the minus strand). VCF-style: chr18-23536740-G-A. GRCh37 (hg19) VCF-style: chr18-21116704-G-A.
Other names: c.3178C>T (NM_000271.4); short protein forms L1060F.
Identifiers: ClinVar variation 1384530 (VCV001384530.6), dbSNP rs1285316145, ClinGen allele CA401791769.